The following is an entry in ClinVar:

NM_181507.2(HPS5):c.1001C>T (p.Ala334Val)

Gene: HPS5 (HPS5 biogenesis of lysosomal organelles complex 2 subunit 2; minus strand). Cytogenetic location: 11p15.1.
Variant type: single nucleotide variant.
Coding change: c.1001C>T on transcript NM_181507.2 (MANE Select); coding-DNA position 1001, C replaced by T.
Protein change: p.Ala334Val; replaces alanine 334 with valine.
Molecular consequence: missense variant.
Genome position (GRCh38, 1-based): chr11:18,298,955, G>A on the plus strand (C>T on the coding strand, the complement: HPS5 is on the minus strand). VCF-style: chr11-18298955-G-A. GRCh37 (hg19) VCF-style: chr11-18320502-G-A.
Other names: c.659C>T, p.Ala220Val (NM_007216.4, NM_181508.2); short protein forms A220V, A334V.
Identifiers: ClinVar variation 1467699 (VCV001467699.5), dbSNP rs772399992, ClinGen allele CA5910253.
Genomic context (GRCh38, chr11:18,298,955, plus strand): 5'-AGGGAGAGATGTGAGACTTTCCCATTTAGGTGCAAACAGAACAATTCATTCCTACAGACA[G>A]CCACATCCTGAATATCTACGAAAACCACAGGTGTGAACATACAAAATGTTAACCAAATAC-3'
Protein context (NP_852608.1, residues 324-344): WSEVKDIQDV[Ala334Val]VCRNELFCLH

ClinVar aggregate classification (germline): Uncertain significance (1 of 4 stars; one submission).

Allele frequency attached by ClinVar (database versions not stated): gnomAD exomes below 0.00001 and 0.00002; ExAC 0.00003; TOPMed 0.00004; gnomAD 0.00005.
gnomAD v4.1: 9 of 1,613,996 alleles (0.00056%); highest among the groups gnomAD compares: African/African-American, 0.012%; no homozygotes.

Submission:

Labcorp Genetics (formerly Invitae), Labcorp
Classification: Uncertain significance. Last evaluated: 2024-08-30. Review status: criteria provided, single submitter. Criteria: Invitae Variant Classification Sherloc (09022015). Collection method: clinical testing. Allele origin: germline.
Comment: This sequence change replaces alanine, which is neutral and non-polar, with valine, which is neutral and non-polar, at codon 334 of the HPS5 protein (p.Ala334Val). This variant is present in population databases (rs772399992, gnomAD 0.01%). This variant has not been reported in the literature in individuals affected with HPS5-related conditions. ClinVar contains an entry for this variant (Variation ID: 1467699). An algorithm developed to predict the effect of missense changes on protein structure and function (PolyPhen-2) suggests that this variant is likely to be disruptive. Algorithms developed to predict the effect of sequence changes on RNA splicing suggest that this variant may disrupt the consensus splice site. In summary, the available evidence is currently insufficient to determine the role of this variant in disease. Therefore, it has been classified as a Variant of Uncertain Significance.